The following is an entry in ClinVar:

NM_000426.4(LAMA2):c.6085+17C>T

Gene: LAMA2 (laminin subunit alpha 2; plus strand). Cytogenetic location: 6q22.33.
Variant type: single nucleotide variant.
Coding change: c.6085+17C>T on transcript NM_000426.4 (MANE Select); 17 bases into the intron after coding-DNA position 6085, C replaced by T.
Molecular consequence: intron variant.
Genome position (GRCh38, 1-based): chr6:129,438,779, C>T. VCF-style: chr6-129438779-C-T. GRCh37 (hg19) VCF-style: chr6-129759924-C-T.
Other names: c.6085+17C>T (NM_001079823.2).
Identifiers: ClinVar variation 513152 (VCV000513152.12), dbSNP rs185719358, ClinGen allele CA3994094.

ClinVar aggregate classification (germline): Likely benign. Review status: criteria provided, multiple submitters, no conflicts (2 of 4 stars). 3 submissions from 3 submitters: Likely benign (3). Last evaluated 2026-01-28.

Conditions:
LAMA2-related muscular dystrophy (LAMA2-RD). Also called: Laminin alpha 2-related dystrophy. Identifiers: MedGen C5679788, MONDO:0100228.

Allele frequency attached by ClinVar (database versions not stated): gnomAD exomes 0.00003 and 0.00006; ExAC 0.00004; gnomAD 0.00060 and 0.00063; TOPMed 0.00099; 1000 Genomes Project 0.00100; 1000 Genomes Project 30x 0.00141.
gnomAD v4.1: 141 of 1,222,264 alleles (0.012%); highest among the groups gnomAD compares: Admixed American, 0.19%; 2 homozygotes.

Submissions (3):

Labcorp Genetics (formerly Invitae), Labcorp
Classification: Likely benign for LAMA2-related muscular dystrophy. Last evaluated: 2026-01-28. Review status: criteria provided, single submitter. Criteria: Invitae Variant Classification Sherloc (09022015). Collection method: clinical testing. Allele origin: germline.

Blueprint Genetics
Classification: Likely benign. Last evaluated: 2021-08-13. Review status: criteria provided, single submitter. Criteria: ACMG Guidelines, 2015. Collection method: clinical testing. Allele origin: germline.

GeneDx
Classification: Likely benign. Last evaluated: 2017-11-06. Review status: criteria provided, single submitter. Criteria: GeneDx Variant Classification (06012015). Collection method: clinical testing. Allele origin: germline. Affected: yes.
Comment: This variant is considered likely benign or benign based on one or more of the following criteria: it is a conservative change, it occurs at a poorly conserved position in the protein, it is predicted to be benign by multiple in silico algorithms, and/or has population frequency not consistent with disease.